The following is an entry in ClinVar:

NM_001113378.2(FANCI):c.2066AGGAGGAAGAGG[3] (p.Glu696_Ala697insGluGluGluGlu)

Gene: FANCI (FA complementation group I; plus strand). Cytogenetic location: 15q26.1.
Variant type: Microsatellite.
Coding change: c.2066AGGAGGAAGAGG[3] on transcript NM_001113378.2 (MANE Select); three copies in a row of the 12-base unit AGGAGGAAGAGG starting at c.2066; the reference has two copies in a row; one copy, 12 bases duplicated.
Protein change: p.Glu696_Ala697insGluGluGluGlu.
Molecular consequence: inframe insertion.
Genome position (GRCh38, 1-based): chr15:89,292,773-89,292,784, AGGAGGAAGAGG duplicated; duplicating any 12 consecutive bases within chr15:89,292,760-89,292,784 gives the same sequence; the position shown is the placement nearest the transcript's 3' end. VCF-style (leftmost placement, unchanged base first): chr15-89292759-A-AGAGGAGGAAGAG. GRCh37 (hg19) VCF-style: chr15-89835990-A-AGAGGAGGAAGAG.
Other names: c.1787AGGAGGAAGAGG[3], p.Glu603_Ala604insGluGluGluGlu (NM_001376910.1); c.2066AGGAGGAAGAGG[3], p.Glu696_Ala697insGluGluGluGlu (NM_001376911.1, NM_018193.3).
Identifiers: ClinVar variation 3257184 (VCV003257184.17).
Genomic context (GRCh38, chr15:89,292,759, plus strand): 5'-GTGTTGTATTCAGCATTGTTTGGCCTGGTATAAGAATACAGTCATACCCTTACAGCAGGG[A>AGAGGAGGAAGAG]GAGGAGGAAGAGGAGGAGGAAGAGGCATTCTACGAAGACCTAGATGATATATTGGAGTCC-3'

ClinVar aggregate classification (germline): Uncertain significance (1 of 4 stars; one submission).

Submission:

CeGaT Center for Human Genetics Tuebingen
Classification: Uncertain significance. Last evaluated: 2024-07-01. Review status: criteria provided, single submitter. Criteria: CeGaT Center For Human Genetics Tuebingen Variant Classification Criteria Version 2. Collection method: clinical testing. Allele origin: germline. Affected: yes. Observed: 1 variant allele.
Comment: FANCI: PM2